The following is an entry in ClinVar:

NM_017433.5(MYO3A):c.4627G>A (p.Glu1543Lys)

Gene: MYO3A (myosin IIIA; plus strand). Cytogenetic location: 10p12.1.
Variant type: single nucleotide variant.
Coding change: c.4627G>A on transcript NM_017433.5 (MANE Select); coding-DNA position 4627, G replaced by A.
Protein change: p.Glu1543Lys; replaces glutamic acid 1543 with lysine.
Molecular consequence: missense variant.
Genome position (GRCh38, 1-based): chr10:26,203,004, G>A. VCF-style: chr10-26203004-G-A. GRCh37 (hg19) VCF-style: chr10-26491933-G-A.
Other names: short protein forms E1543K.
Identifiers: ClinVar variation 289433 (VCV000289433.9), dbSNP rs148069836, ClinGen allele CA5445535.

ClinVar aggregate classification (germline): Uncertain significance. Review status: criteria provided, multiple submitters, no conflicts (2 of 4 stars). 2 submissions from 2 submitters: Uncertain significance (2). Last evaluated 2025-09-25.

Allele frequency attached by ClinVar (database versions not stated): gnomAD 0.00018 and 0.00021; gnomAD exomes 0.00002 and 0.00001; ESP Exome Variant Server 0.00008; ExAC 0.00005; TOPMed 0.00011.
gnomAD v4.1: 42 of 1,613,754 alleles (0.0026%); highest among the groups gnomAD compares: African/African-American, 0.055%; no homozygotes.

Submissions (2):

GeneDx
Classification: Uncertain significance. Last evaluated: 2025-09-25. Review status: criteria provided, single submitter. Criteria: GeneDx Variant Classification Process June 2021. Collection method: clinical testing. Allele origin: germline. Affected: yes.
Comment: In silico analysis suggests that this missense variant does not alter protein structure/function; Has not been previously published as pathogenic or benign to our knowledge

Eurofins Ntd Llc (ga)
Classification: Uncertain significance. Last evaluated: 2016-08-03. Review status: criteria provided, single submitter. Criteria: EGL Classification Definitions 2015. Collection method: clinical testing. Allele origin: germline. Observed: 1 variant allele, 1 heterozygote.